The following is an entry in ClinVar:

NM_004211.5(SLC6A5):c.1261G>T (p.Val421Leu)

Gene: SLC6A5 (solute carrier family 6 member 5; plus strand). Cytogenetic location: 11p15.1.
Variant type: single nucleotide variant.
Coding change: c.1261G>T on transcript NM_004211.5 (MANE Select); coding-DNA position 1261, G replaced by T.
Protein change: p.Val421Leu; replaces valine 421 with leucine.
Molecular consequence: missense variant.
Genome position (GRCh38, 1-based): chr11:20,626,708, G>T. VCF-style: chr11-20626708-G-T. GRCh37 (hg19) VCF-style: chr11-20648254-G-T.
Other names: c.559G>T, p.Val187Leu (NM_001318369.2); short protein forms V187L, V421L.
Identifiers: ClinVar variation 1371606 (VCV001371606.8), dbSNP rs1853001659, ClinGen allele CA379916874.

ClinVar aggregate classification (germline): Uncertain significance (1 of 4 stars; one submission).

Conditions:
Hyperekplexia 3 (HKPX3). Also called: HYPEREKPLEXIA 3, AUTOSOMAL RECESSIVE; HYPEREKPLEXIA 3, AUTOSOMAL DOMINANT. Identifiers: Orphanet 3197, MedGen C3553288, MONDO:0013827, OMIM 614618.

Allele frequency attached by ClinVar (database versions not stated): gnomAD exomes below 0.00001; gnomAD 0.00001; TOPMed 0.00001.

Submission:

Labcorp Genetics (formerly Invitae), Labcorp
Classification: Uncertain significance for Hyperekplexia 3. Last evaluated: 2021-02-12. Review status: criteria provided, single submitter. Criteria: Invitae Variant Classification Sherloc (09022015). Collection method: clinical testing. Allele origin: germline.
Comment: This variant is not present in population databases (ExAC no frequency). This variant has not been reported in the literature in individuals with SLC6A5-related conditions. Algorithms developed to predict the effect of missense changes on protein structure and function (SIFT, PolyPhen-2, Align-GVGD) all suggest that this variant is likely to be disruptive, but these predictions have not been confirmed by published functional studies and their clinical significance is uncertain. Algorithms developed to predict the effect of sequence changes on RNA splicing suggest that this variant may disrupt the consensus splice site, but this prediction has not been confirmed by published transcriptional studies. In summary, the available evidence is currently insufficient to determine the role of this variant in disease. Therefore, it has been classified as a Variant of Uncertain Significance. This sequence change replaces valine with leucine at codon 421 of the SLC6A5 protein (p.Val421Leu). The valine residue is highly conserved and there is a small physicochemical difference between valine and leucine.